The following is an entry in ClinVar:

ClinVar aggregate classification (germline): Uncertain significance. Review status: criteria provided, multiple submitters, no conflicts (2 of 4 stars). 4 submissions from 4 submitters: Uncertain significance (4). Last evaluated 2025-02-12.

Conditions:
LHFPL5-related disorder. Also called: LHFPL5-related condition.
Inborn genetic diseases. Identifiers: MedGen C0950123, MeSH D030342.

Allele frequency attached by ClinVar (database versions not stated): TOPMed below 0.00001; gnomAD 0.00001; gnomAD exomes 0.00002 and 0.00006; ExAC 0.00007.
gnomAD v4.1: 31 of 1,614,040 alleles (0.0019%); highest among the groups gnomAD compares: South Asian, 0.014%; no homozygotes.

Submissions (4):

PreventionGenetics, part of Exact Sciences
Classification: Uncertain significance for LHFPL5-related condition. Last evaluated: 2025-02-12. Review status: criteria provided, single submitter. Criteria: ACMG Guidelines, 2015. Collection method: clinical testing. Allele origin: germline.
Comment: The LHFPL5 c.475C>T variant is predicted to result in the amino acid substitution p.Arg159Cys. To our knowledge, this variant has not been reported in the literature. This variant is reported in 0.029% of alleles in individuals of South Asian descent in gnomAD. At this time, the clinical significance of this variant is uncertain due to the absence of conclusive functional and genetic evidence.

Ambry Genetics
Classification: Uncertain significance for Inborn genetic diseases. Last evaluated: 2025-01-23. Review status: criteria provided, single submitter. Criteria: Ambry Variant Classification Scheme 2023. Collection method: clinical testing. Allele origin: germline.

GeneDx
Classification: Uncertain significance. Last evaluated: 2024-08-20. Review status: criteria provided, single submitter. Criteria: GeneDx Variant Classification Process June 2021. Collection method: clinical testing. Allele origin: germline. Affected: yes.
Comment: In silico analysis supports that this missense variant has a deleterious effect on protein structure/function; Has not been previously published as pathogenic or benign to our knowledge

Laboratory for Molecular Medicine, Mass General Brigham Personalized Medicine
Classification: Uncertain significance. Last evaluated: 2018-09-25. Review status: criteria provided, single submitter. Criteria: LMM Criteria. Collection method: clinical testing. Allele origin: germline. Observed: 2 variant alleles.
Comment: It has also been identified in 0.03% (10/30782) of So uth Asian chromosomes by gnomAD. Computationa l prediction tools and conservation analyses suggest that the p.Arg159Cys varian t may impact the protein, though this information is not predictive enough to de termine pathogenicity. In summary, the clinical significance of the p.Arg159Cys variant is uncertain. ACMG/AMP Criteria applied: PM2_Supporting, PP3.

NM_182548.4(LHFPL5):c.475C>T (p.Arg159Cys)

Gene: LHFPL5 (LHFPL tetraspan subfamily member 5; plus strand). Cytogenetic location: 6p21.31.
Variant type: single nucleotide variant.
Coding change: c.475C>T on transcript NM_182548.4 (MANE Select); coding-DNA position 475, C replaced by T.
Protein change: p.Arg159Cys; replaces arginine 159 with cysteine.
Molecular consequence: missense variant.
Genome position (GRCh38, 1-based): chr6:35,814,608, C>T. VCF-style: chr6-35814608-C-T. GRCh37 (hg19) VCF-style: chr6-35782385-C-T.
Other names: short protein forms R159C.
Identifiers: ClinVar variation 228801 (VCV000228801.8), dbSNP rs755791421, ClinGen allele CA3774424.